The following is an entry in ClinVar:

NM_001042492.3(NF1):c.3G>T (p.Met1Ile)

Genes: MIR4733HG (MIR4733 host gene; minus strand), NF1 (neurofibromin 1; plus strand), LOC111811965 (NF1 (neurofibromin 1) promoter region; plus strand). Cytogenetic location: 17q11.2.
Variant type: single nucleotide variant.
Coding change: c.3G>T on transcript NM_001042492.3 (MANE Select); coding-DNA position 3, G replaced by T.
Protein change: p.Met1Ile; changes the start codon (methionine 1).
Molecular consequence: missense variant, initiator codon variant. On other transcripts: non-coding transcript variant (1).
Genome position (GRCh38, 1-based): chr17:31,095,312, G>T. VCF-style: chr17-31095312-G-T. GRCh37 (hg19) VCF-style: chr17-29422330-G-T.
Other names: c.3G>T, p.Met1Ile (NM_001128147.3, NM_000267.4); short protein forms M1I.
Identifiers: ClinVar variation 2736490 (VCV002736490.5), dbSNP rs1598173737, ClinGen allele CA398979157.

ClinVar aggregate classification (germline): Pathogenic/Likely pathogenic. Review status: criteria provided, multiple submitters, no conflicts (2 of 4 stars). 3 submissions from 3 submitters: Pathogenic (1); Likely pathogenic (2). Last evaluated 2024-11-11.

Conditions:
Neurofibromatosis, type 1 (NF1). Also called: Neurofibromatosis, type I; Peripheral type neurofibromatosis; VON RECKLINGHAUSEN DISEASE; NEUROFIBROMATOSIS, TYPE I, SOMATIC. Identifiers: Orphanet 636, MedGen C0027831, MONDO:0018975, OMIM 162200. Disease mechanism: loss of function.
Juvenile myelomonocytic leukemia (JMML). Also called: LEUKEMIA, JUVENILE MYELOMONOCYTIC, SOMATIC. Identifiers: Orphanet 86834, MedGen C0349639, MONDO:0011908, OMIM 607785, HP:0012209.
Neurofibromatosis-Noonan syndrome (NFNS). Also called: NEUROFIBROMATOSIS WITH NOONAN PHENOTYPE. Identifiers: Orphanet 638, MedGen C2931482, MONDO:0011035, OMIM 601321. Disease mechanism: loss of function.
Neurofibromatosis, familial spinal (FSNF). Identifiers: Orphanet 636, MedGen C1834235, MONDO:0008078, OMIM 162210. Disease mechanism: loss of function.
Café-au-lait macules with pulmonary stenosis (WTSN). Also called: PULMONIC STENOSIS WITH CAFE-AU-LAIT SPOTS. Identifiers: MedGen C0553586, MONDO:0008672, OMIM 193520.

Submissions (3):

NHS Central & South Genomic Laboratory Hub
Classification: Likely pathogenic for Neurofibromatosis type 1. Last evaluated: 2024-11-11. Review status: criteria provided, single submitter. Criteria: ACMG Guidelines, 2015. Collection method: clinical testing. Allele origin: germline. Affected: yes.

Fulgent Genetics
Classification: Likely pathogenic for Neurofibromatosis, type 1; Neurofibromatosis, familial spinal; Café-au-lait macules with pulmonary stenosis; Neurofibromatosis-Noonan syndrome; Juvenile myelomonocytic leukemia. Last evaluated: 2024-04-01. Review status: criteria provided, single submitter. Criteria: ACMG Guidelines, 2015. Collection method: clinical testing. Allele origin: germline.

Labcorp Genetics (formerly Invitae), Labcorp
Classification: Pathogenic for Neurofibromatosis, type 1. Last evaluated: 2023-08-30. Review status: criteria provided, single submitter. Criteria: Invitae Variant Classification Sherloc (09022015). Collection method: clinical testing. Allele origin: germline.
Comment: This sequence change affects the initiator methionine of the NF1 mRNA. The next in-frame methionine is located at codon 68. This variant is not present in population databases (gnomAD no frequency). Disruption of the initiator codon has been observed in individual(s) with neurofibromatosis type 1 (PMID: 10712197, 20844836, 23668869, 23913538). For these reasons, this variant has been classified as Pathogenic.

Literature cited by the submitters: PubMed 10712197 (cited by Labcorp Genetics (formerly Invitae), Labcorp); PubMed 20844836 (cited by Labcorp Genetics (formerly Invitae), Labcorp); PubMed 23668869 (cited by Labcorp Genetics (formerly Invitae), Labcorp); PubMed 23913538 (cited by Labcorp Genetics (formerly Invitae), Labcorp).